The following is an entry in ClinVar:

ClinVar aggregate classification (germline): Uncertain significance. Review status: criteria provided, multiple submitters, no conflicts (2 of 4 stars). 2 submissions from 2 submitters: Uncertain significance (2). Last evaluated 2025-12-17.

Conditions:
Hereditary cancer-predisposing syndrome. Also called: Tumor predisposition; Hereditary neoplastic syndrome; Hereditary Cancer Syndrome; Neoplastic Syndromes, Hereditary. Identifiers: Orphanet 140162, MedGen C0027672, MeSH D009386, MONDO:0015356.
Haddad syndrome (OHD). Also called: Ondine-Hirschsprung disease. Identifiers: Orphanet 99803, MedGen C1859049, MONDO:0020493.

Submissions (2):

Ambry Genetics
Classification: Uncertain significance for Hereditary cancer-predisposing syndrome. Last evaluated: 2025-12-17. Review status: criteria provided, single submitter. Criteria: Ambry Variant Classification Scheme 2023. Collection method: clinical testing. Allele origin: germline.
Comment: The p.A187V variant (also known as c.560C>T), located in coding exon 3 of the PHOX2B gene, results from a C to T substitution at nucleotide position 560. The alanine at codon 187 is replaced by valine, an amino acid with similar properties. This amino acid position is conserved. In addition, this alteration is predicted to be tolerated by in silico analysis. Based on the available evidence, the clinical significance of this variant remains unclear.

Labcorp Genetics (formerly Invitae), Labcorp
Classification: Uncertain significance for Haddad syndrome. Last evaluated: 2023-03-20. Review status: criteria provided, single submitter. Criteria: Invitae Variant Classification Sherloc (09022015). Collection method: clinical testing. Allele origin: germline.
Comment: In summary, the available evidence is currently insufficient to determine the role of this variant in disease. Therefore, it has been classified as a Variant of Uncertain Significance. Advanced modeling of protein sequence and biophysical properties (such as structural, functional, and spatial information, amino acid conservation, physicochemical variation, residue mobility, and thermodynamic stability) performed at Invitae indicates that this missense variant is not expected to disrupt PHOX2B protein function. ClinVar contains an entry for this variant (Variation ID: 970401). This variant has not been reported in the literature in individuals affected with PHOX2B-related conditions. This variant is not present in population databases (gnomAD no frequency). This sequence change replaces alanine, which is neutral and non-polar, with valine, which is neutral and non-polar, at codon 187 of the PHOX2B protein (p.Ala187Val).

NM_003924.4(PHOX2B):c.560C>T (p.Ala187Val)

Gene: PHOX2B (paired like homeobox 2B; minus strand). Cytogenetic location: 4p13.
Variant type: single nucleotide variant.
Coding change: c.560C>T on transcript NM_003924.4 (MANE Select); coding-DNA position 560, C replaced by T.
Protein change: p.Ala187Val; replaces alanine 187 with valine.
Molecular consequence: missense variant.
Genome position (GRCh38, 1-based): chr4:41,746,192, G>A on the plus strand (C>T on the coding strand, the complement: PHOX2B is on the minus strand). VCF-style: chr4-41746192-G-A. GRCh37 (hg19) VCF-style: chr4-41748209-G-A.
Other names: short protein forms A187V.
Identifiers: ClinVar variation 970401 (VCV000970401.10), dbSNP rs1191400815, ClinGen allele CA356738055.